The following is an entry in ClinVar:

NM_005629.4(SLC6A8):c.1667G>A (p.Trp556Ter)

Gene: SLC6A8 (solute carrier family 6 member 8; plus strand). Cytogenetic location: Xq28.
Variant type: single nucleotide variant.
Coding change: c.1667G>A on transcript NM_005629.4 (MANE Select); coding-DNA position 1667, G replaced by A.
Protein change: p.Trp556Ter; replaces tryptophan 556 with a stop codon.
Molecular consequence: nonsense.
Genome position (GRCh38, 1-based): chrX:153,694,789, G>A. VCF-style: chrX-153694789-G-A. GRCh37 (hg19) VCF-style: chrX-152960244-G-A.
Other names: NM_001142805.2:c.1637G>A; c.1637G>A, p.Trp546Ter (NM_001142805.2); c.1322G>A, p.Trp441Ter (NM_001142806.1); short protein forms W441*, W546*, W556*.
Identifiers: ClinVar variation 2683735 (VCV002683735.1), dbSNP rs2522169864, ClinGen allele CA415090808.

ClinVar aggregate classification (germline): Pathogenic (3 of 4 stars; one submission).

Conditions:
Creatine transporter deficiency (CCDS1). Also called: CEREBRAL CREATINE DEFICIENCY SYNDROME 1; Mental retardation , X-linked with seizures, short stature and midface hypoplasia; Mental retardation , X-linked, with creatine transport deficiency; X-linked creatine transporter deficiency; X-linked creatine deficiency syndrome; SLC6A8-Related Creatine Transporter Deficiency. Identifiers: Orphanet 52503, MedGen C1845862, MONDO:0010305, OMIM 300352.

Submission:

ClinGen Cerebral Creatine Deficiency Syndromes Variant Curation Expert Panel, ClinGen
Classification: Pathogenic for Creatine transporter deficiency. Last evaluated: 2023-12-14. Review status: reviewed by expert panel. Criteria: ClinGen_CCDS_ACMG_Specifications_SLC6A8_v1.1. Collection method: curation. Allele origin: germline. Inheritance: X-linked inheritance.
Comment: The NM_005629.4:c.1667G>A (p.Trp556Ter) variant in SLC6A8 is is a nonsense variant predicted to cause a premature stop codon in biologically relevant exon 12/13 leading to nonsense mediated decay in a gene in which loss-of-function is an established disease mechanism. Although the variant is in the penultimate exon of the gene, it is upstream of last 50bp. Therefore, nonsense-mediated decay is not predicted to occur (PVS1). For one of these individuals, the diagnosis was confirmed by elevated creatine to creatinine ratio in urine and the variant was identified by exome sequencing (PMID: 34050321) (PP4). Therefore is insufficient evidence to apply PS4 for the second individual. The variant is absent in gnomAD v4.0. (PM2_Supporting). There is no ClinVar entry for this variant. In summary, this variant meets criteria to be classified as pathogenic for creatine transporter deficiency. SLC6A8-specific criteria applied, as specified by the ClinGen CCDS VCEP (Specifications Version 1.1.0): PVS1, PP4, PM2_Supporting. (Classification approved by the ClinGen CCDS VCEP on December 14, 2023)